The following is an entry in ClinVar:

NM_006206.6(PDGFRA):c.670G>T (p.Val224Leu)

Gene: PDGFRA (platelet derived growth factor receptor alpha; plus strand). Cytogenetic location: 4q12.
Variant type: single nucleotide variant.
Coding change: c.670G>T on transcript NM_006206.6 (MANE Select); coding-DNA position 670, G replaced by T.
Protein change: p.Val224Leu; replaces valine 224 with leucine.
Molecular consequence: missense variant.
Genome position (GRCh38, 1-based): chr4:54,264,960, G>T. VCF-style: chr4-54264960-G-T. GRCh37 (hg19) VCF-style: chr4-55131127-G-T.
Other names: c.670G>T, p.Val224Leu (NM_001347827.2, NM_001347829.2); c.745G>T, p.Val249Leu (NM_001347828.2); c.709G>T, p.Val237Leu (NM_001347830.2); short protein forms V224L, V237L, V249L.
Identifiers: ClinVar variation 836899 (VCV000836899.11), dbSNP rs1248275606, ClinGen allele CA356890839.

ClinVar aggregate classification (germline): Uncertain significance. Review status: criteria provided, multiple submitters, no conflicts (2 of 4 stars). 2 submissions from 2 submitters: Uncertain significance (2). Last evaluated 2025-05-13.

Conditions:
Hereditary cancer-predisposing syndrome. Also called: Neoplastic Syndromes, Hereditary; Tumor predisposition; Hereditary Cancer Syndrome; Hereditary neoplastic syndrome. Identifiers: Orphanet 140162, MedGen C0027672, MeSH D009386, MONDO:0015356.
Gastrointestinal stromal tumor. Also called: Gastrointestinal stromal tumor, somatic; Gastrointestinal stroma tumor. Identifiers: Orphanet 44890, MedGen C0238198, MeSH D046152, MONDO:0011719, OMIM 606764, HP:0100723.

Submissions (2):

Ambry Genetics
Classification: Uncertain significance for Hereditary cancer-predisposing syndrome. Last evaluated: 2025-05-13. Review status: criteria provided, single submitter. Criteria: Ambry Variant Classification Scheme 2023. Collection method: clinical testing. Allele origin: germline.
Comment: The p.V224L variant (also known as c.670G>T), located in coding exon 4 of the PDGFRA gene, results from a G to T substitution at nucleotide position 670. The valine at codon 224 is replaced by leucine, an amino acid with highly similar properties. This amino acid position is highly conserved in available vertebrate species. In addition, this alteration is predicted to be tolerated by in silico analysis. Based on the available evidence, the clinical significance of this variant remains unclear.

Labcorp Genetics (formerly Invitae), Labcorp
Classification: Uncertain significance for Gastrointestinal stromal tumor. Last evaluated: 2023-01-12. Review status: criteria provided, single submitter. Criteria: Invitae Variant Classification Sherloc (09022015). Collection method: clinical testing. Allele origin: germline.
Comment: In summary, the available evidence is currently insufficient to determine the role of this variant in disease. Therefore, it has been classified as a Variant of Uncertain Significance. Advanced modeling of protein sequence and biophysical properties (such as structural, functional, and spatial information, amino acid conservation, physicochemical variation, residue mobility, and thermodynamic stability) performed at Invitae indicates that this missense variant is not expected to disrupt PDGFRA protein function. ClinVar contains an entry for this variant (Variation ID: 836899). This variant has not been reported in the literature in individuals affected with PDGFRA-related conditions. This variant is not present in population databases (gnomAD no frequency). This sequence change replaces valine, which is neutral and non-polar, with leucine, which is neutral and non-polar, at codon 224 of the PDGFRA protein (p.Val224Leu).